The following is an entry in ClinVar:

ClinVar aggregate classification (germline): Likely benign. Review status: criteria provided, multiple submitters, no conflicts (2 of 4 stars). 5 submissions from 5 submitters: Likely benign (5). Last evaluated 2026-07-01.

Conditions:
PKD1L1-related disorder. Also called: PKD1L1-related condition.

Allele frequency attached by ClinVar (database versions not stated): 1000 Genomes Project 30x 0.00172; ExAC 0.00406; gnomAD exomes 0.00422 and 0.00779; gnomAD 0.00469 and 0.00472; TOPMed 0.00471; ESP Exome Variant Server 0.00584; 1000 Genomes Project 0.00100.
gnomAD v4.1: 12,129 of 1,613,822 alleles (0.75%); highest among the groups gnomAD compares: Non-Finnish European, 0.92%; 67 homozygotes.

Submissions (5):

CeGaT Center for Human Genetics Tuebingen
Classification: Likely benign. Last evaluated: 2026-07-01. Review status: criteria provided, single submitter. Criteria: CeGaT Center For Human Genetics Tuebingen Variant Classification Criteria Version 2. Collection method: clinical testing. Allele origin: germline. Affected: yes. Observed: 9 variant alleles.
Comment: PKD1L1: BP4, BS2

Labcorp Genetics (formerly Invitae), Labcorp
Classification: Likely benign. Last evaluated: 2025-12-23. Review status: criteria provided, single submitter. Criteria: Invitae Variant Classification Sherloc (09022015). Collection method: clinical testing. Allele origin: germline.

PreventionGenetics, part of Exact Sciences
Classification: Likely benign for PKD1L1-related condition. Last evaluated: 2025-12-17. Review status: criteria provided, single submitter. Criteria: ACMG Guidelines, 2015. Collection method: clinical testing. Allele origin: germline.
Comment: This variant is classified as likely benign based on ACMG/AMP sequence variant interpretation guidelines (Richards et al. 2015 PMID: 25741868, with internal and published modifications).

Blueprint Genetics
Classification: Likely benign. Last evaluated: 2024-11-26. Review status: criteria provided, single submitter. Criteria: ACMG Guidelines, 2015. Collection method: clinical testing. Allele origin: germline.

Breakthrough Genomics
Classification: Likely benign. Review status: criteria provided, single submitter. Criteria: ACMG Guidelines, 2015. Collection method: not provided. Allele origin: germline. Inheritance: Autosomal recessive inheritance. Affected: yes.

NM_138295.5(PKD1L1):c.731C>T (p.Pro244Leu)

Gene: PKD1L1 (polycystin 1 like 1, transient receptor potential channel interacting; minus strand). Cytogenetic location: 7p12.3.
Variant type: single nucleotide variant.
Coding change: c.731C>T on transcript NM_138295.5 (MANE Select); coding-DNA position 731, C replaced by T.
Protein change: p.Pro244Leu; replaces proline 244 with leucine.
Molecular consequence: missense variant.
Genome position (GRCh38, 1-based): chr7:47,931,110, G>A on the plus strand (C>T on the coding strand, the complement: PKD1L1 is on the minus strand). VCF-style: chr7-47931110-G-A. GRCh37 (hg19) VCF-style: chr7-47970707-G-A.
Other names: short protein forms P244L.
Identifiers: ClinVar variation 787669 (VCV000787669.34), dbSNP rs142896494, ClinGen allele CA4254269.